The following is an entry in ClinVar:

NM_022455.5(NSD1):c.1879G>A (p.Gly627Ser)

Gene: NSD1 (nuclear receptor binding SET domain protein 1; plus strand). Cytogenetic location: 5q35.3.
Variant type: single nucleotide variant.
Coding change: c.1879G>A on transcript NM_022455.5 (MANE Select); coding-DNA position 1879, G replaced by A.
Protein change: p.Gly627Ser; replaces glycine 627 with serine.
Molecular consequence: missense variant.
Genome position (GRCh38, 1-based): chr5:177,210,278, G>A. VCF-style: chr5-177210278-G-A. GRCh37 (hg19) VCF-style: chr5-176637279-G-A.
Other names: c.1006G>A, p.Gly336Ser (NM_001409308.1, NM_001409309.1, NM_172349.5 and 3 more transcripts); c.1879G>A, p.Gly627Ser (NM_001409301.1, NM_001409302.1, NM_001409303.1); c.1459G>A, p.Gly487Ser (NM_001409304.1); c.1126G>A, p.Gly376Ser (NM_001409305.1); short protein forms G358S, G627S, G336S, G376S, G487S.
Identifiers: ClinVar variation 642672 (VCV000642672.26), dbSNP rs1449506408, ClinGen allele CA362311952.
Genomic context (GRCh38, chr5:177,210,278, plus strand): 5'-AATAAACCCCAACGAAGCCTGGTGTGTGGTTCAAAAGTGAAGCTCTGCTATATTGGAGCA[G>A]GTGATGAGGAAAAGCGAAGTGATTCCATTAGTATCTGTACCACTTCTGATGATGGAAGCA-3'
Protein context (NP_071900.2, residues 617-637): SKVKLCYIGA[Gly627Ser]DEEKRSDSIS

ClinVar aggregate classification (germline): Uncertain significance. Review status: criteria provided, multiple submitters, no conflicts (2 of 4 stars). 2 submissions from 2 submitters: Uncertain significance (2). Last evaluated 2024-07-01.

Allele frequency attached by ClinVar (database versions not stated): gnomAD exomes below 0.00001 and 0.00001; TOPMed 0.00001.
gnomAD v4.1: 15 of 1,609,250 alleles (0.00093%); highest among the groups gnomAD compares: Non-Finnish European, 0.0013%; no homozygotes.

Submissions (2):

CeGaT Center for Human Genetics Tuebingen
Classification: Uncertain significance. Last evaluated: 2024-07-01. Review status: criteria provided, single submitter. Criteria: CeGaT Center For Human Genetics Tuebingen Variant Classification Criteria Version 2. Collection method: clinical testing. Allele origin: germline. Affected: yes. Observed: 1 variant allele.

Labcorp Genetics (formerly Invitae), Labcorp
Classification: Uncertain significance. Last evaluated: 2018-09-20. Review status: criteria provided, single submitter. Criteria: Invitae Variant Classification Sherloc (09022015). Collection method: clinical testing. Allele origin: germline.
Comment: This sequence change replaces glycine with serine at codon 627 of the NSD1 protein (p.Gly627Ser). The glycine residue is weakly conserved and there is a small physicochemical difference between glycine and serine. This variant is not present in population databases (ExAC no frequency). This variant has not been reported in the literature in individuals with NSD1-related disease. Algorithms developed to predict the effect of missense changes on protein structure and function (SIFT, PolyPhen-2, Align-GVGD) all suggest that this variant is likely to be tolerated, but these predictions have not been confirmed by published functional studies and their clinical significance is uncertain. In summary, the available evidence is currently insufficient to determine the role of this variant in disease. Therefore, it has been classified as a Variant of Uncertain Significance.